The following is an entry in ClinVar:

NM_020163.3(SEMA3G):c.1187G>A (p.Ser396Asn)

Gene: SEMA3G (semaphorin 3G; minus strand). Cytogenetic location: 3p21.1.
Variant type: single nucleotide variant.
Coding change: c.1187G>A on transcript NM_020163.3 (MANE Select); coding-DNA position 1187, G replaced by A.
Protein change: p.Ser396Asn; replaces serine 396 with asparagine.
Molecular consequence: missense variant.
Genome position (GRCh38, 1-based): chr3:52,440,055, C>T on the plus strand (G>A on the coding strand, the complement: SEMA3G is on the minus strand). VCF-style: chr3-52440055-C-T. GRCh37 (hg19) VCF-style: chr3-52474071-C-T.
Other names: short protein forms S396N.
Identifiers: ClinVar variation 3354100 (VCV003354100.1).
Genomic context (GRCh38, chr3:52,440,055, plus strand): 5'-CAGAACATGAGGGGGTGGGCTCGGGCAAACTGCAGCACCTCATCTGGGTAGTCCTTGGTG[C>T]TGCCAAAAGGCCGTCCTGGCTGTGCGGTCATCTTGCTGGGGCACTGTGGGCAGCAGGGAA-3'
Protein context (NP_064548.1, residues 386-406): MTAQPGRPFG[Ser396Asn]TKDYPDEVLQ

ClinVar aggregate classification (germline): Uncertain significance (0 of 4 stars; one submission).

Conditions:
SEMA3G-related disorder. Also called: SEMA3G-related condition.

Submission:

PreventionGenetics, part of Exact Sciences
Classification: Uncertain significance for SEMA3G-related condition. Last evaluated: 2024-09-20. Review status: no assertion criteria provided. Collection method: clinical testing. Allele origin: germline.
Comment: The SEMA3G c.1187G>A variant is predicted to result in the amino acid substitution p.Ser396Asn. This variant has been reported in an individual with a pancreatic neuroendocrine tumor, however whether the variant was of germline or somatic origin was not stated (Roy et al. 2018. PubMed ID: 29486199). This variant is reported in 0.020% of alleles in individuals of African descent in gnomAD. At this time, the clinical significance of this variant is uncertain due to the absence of conclusive functional and genetic evidence.